The following is an entry in ClinVar:

ClinVar aggregate classification (germline): Uncertain significance. Review status: criteria provided, multiple submitters, no conflicts (2 of 4 stars). 2 submissions from 2 submitters: Uncertain significance (2). Last evaluated 2024-11-04.

Conditions:
Hyperkalemic periodic paralysis. Also called: Familial hyperkalemic periodic paralysis; Gamstorp disease. Identifiers: Orphanet 682, MedGen C0238357, MONDO:0008224, OMIM 170500, HP:0007215.

Allele frequency attached by ClinVar (database versions not stated): gnomAD exomes below 0.00001; ExAC 0.00002; 1000 Genomes Project 30x 0.00016; 1000 Genomes Project 0.00020.
gnomAD v4.1: 6 of 1,577,706 alleles (0.00038%); highest among the groups gnomAD compares: African/African-American, 0.0067%; no homozygotes.

Submissions (2):

Labcorp Genetics (formerly Invitae), Labcorp
Classification: Uncertain significance for Hyperkalemic periodic paralysis. Last evaluated: 2024-11-04. Review status: criteria provided, single submitter. Criteria: Invitae Variant Classification Sherloc (09022015). Collection method: clinical testing. Allele origin: germline.
Comment: This sequence change replaces valine, which is neutral and non-polar, with phenylalanine, which is neutral and non-polar, at codon 787 of the SCN4A protein (p.Val787Phe). The frequency data for this variant in the population databases is considered unreliable, as metrics indicate poor data quality at this position in the gnomAD database. This variant has not been reported in the literature in individuals affected with SCN4A-related conditions. ClinVar contains an entry for this variant (Variation ID: 1392954). Invitae Evidence Modeling of protein sequence and biophysical properties (such as structural, functional, and spatial information, amino acid conservation, physicochemical variation, residue mobility, and thermodynamic stability) has been performed for this missense variant. However, the output from this modeling did not meet the statistical confidence thresholds required to predict the impact of this variant on SCN4A protein function. In summary, the available evidence is currently insufficient to determine the role of this variant in disease. Therefore, it has been classified as a Variant of Uncertain Significance.

Revvity Omics, Revvity
Classification: Uncertain significance. Last evaluated: 2020-10-07. Review status: criteria provided, single submitter. Criteria: ACMG Guidelines, 2015. Collection method: clinical testing. Allele origin: germline.

NM_000334.4(SCN4A):c.2359G>T (p.Val787Phe)

Genes: GH-LCR (growth hormone locus control region; plus strand), SCN4A (sodium voltage-gated channel alpha subunit 4; minus strand). Cytogenetic location: 17q23.3.
Variant type: single nucleotide variant.
Coding change: c.2359G>T on transcript NM_000334.4 (MANE Select); coding-DNA position 2359, G replaced by T.
Protein change: p.Val787Phe; replaces valine 787 with phenylalanine.
Molecular consequence: missense variant.
Genome position (GRCh38, 1-based): chr17:63,957,179, C>A on the plus strand (G>T on the coding strand, the complement: SCN4A is on the minus strand). VCF-style: chr17-63957179-C-A. GRCh37 (hg19) VCF-style: chr17-62034539-C-A.
Other names: short protein forms V787F.
Identifiers: ClinVar variation 1392954 (VCV001392954.9), dbSNP rs532827016, ClinGen allele CA8709606.
Genomic context (GRCh38, chr17:63,957,179, plus strand): 5'-CTTCCCGGGTGAGGGCAGGGGCCACCCAGCCAGCCTCACTCACCACAAGATTGCCGATGA[C>A]CATGACCATGAGGAAGACGGTGAGGCACATGGCTTGGCCGGCCACCTCCATGCAGTCCCA-3'
Protein context (NP_000325.4, residues 777-797): MCLTVFLMVM[Val787Phe]IGNLVVLNLF